The following is an entry in ClinVar:

NM_004092.4(ECHS1):c.286+5G>T

Gene: ECHS1 (enoyl-CoA hydratase, short chain 1; minus strand). Cytogenetic location: 10q26.3.
Variant type: single nucleotide variant.
Coding change: c.286+5G>T on transcript NM_004092.4 (MANE Select); 5 bases into the intron after coding-DNA position 286, G replaced by T.
Molecular consequence: intron variant.
Genome position (GRCh38, 1-based): chr10:133,370,555, C>A on the plus strand (G>T on the coding strand, the complement: ECHS1 is on the minus strand). VCF-style: chr10-133370555-C-A. GRCh37 (hg19) VCF-style: chr10-135184059-C-A.
Identifiers: ClinVar variation 1392232 (VCV001392232.6), dbSNP rs371517085, ClinGen allele CA216819021.

ClinVar aggregate classification (germline): Uncertain significance (1 of 4 stars; one submission).

gnomAD v4.1: 2 of 1,552,858 alleles (0.00013%); highest among the groups gnomAD compares: East Asian, 0.0023%; no homozygotes.

Submission:

Labcorp Genetics (formerly Invitae), Labcorp
Classification: Uncertain significance. Last evaluated: 2022-06-20. Review status: criteria provided, single submitter. Criteria: Invitae Variant Classification Sherloc (09022015). Collection method: clinical testing. Allele origin: germline.
Comment: In summary, the available evidence is currently insufficient to determine the role of this variant in disease. Therefore, it has been classified as a Variant of Uncertain Significance. Variants that disrupt the consensus splice site are a relatively common cause of aberrant splicing (PMID: 17576681, 9536098). Algorithms developed to predict the effect of sequence changes on RNA splicing suggest that this variant is not likely to affect RNA splicing. This variant has not been reported in the literature in individuals affected with ECHS1-related conditions. The frequency data for this variant in the population databases is considered unreliable, as metrics indicate poor data quality at this position in the gnomAD database. This sequence change falls in intron 2 of the ECHS1 gene. It does not directly change the encoded amino acid sequence of the ECHS1 protein. It affects a nucleotide within the consensus splice site.

Literature cited by the submitters: PubMed 17576681; PubMed 9536098.